The following is an entry in ClinVar:

ClinVar aggregate classification (germline): Uncertain significance. Review status: criteria provided, multiple submitters, no conflicts (2 of 4 stars). 2 submissions from 2 submitters: Uncertain significance (2). Last evaluated 2021-08-07.

Conditions:
Severe early-onset pulmonary alveolar proteinosis due to MARS deficiency. Also called: PULMONARY ALVEOLAR PROTEINOSIS, REUNION ISLAND; Interstitial lung and liver disease. Identifiers: Orphanet 440427, MedGen C4225400, MONDO:0014206, OMIM 615486.
Charcot-Marie-Tooth disease axonal type 2U. Also called: CHARCOT-MARIE-TOOTH NEUROPATHY, TYPE 2U; CHARCOT-MARIE-TOOTH DISEASE, AXONAL, AUTOSOMAL DOMINANT, TYPE 2U. Identifiers: Orphanet 397735, MedGen C4084821, MONDO:0014566, OMIM 616280.

Allele frequency attached by ClinVar (database versions not stated): gnomAD exomes below 0.00001; TOPMed below 0.00001; gnomAD 0.00001.

Submissions (2):

Labcorp Genetics (formerly Invitae), Labcorp
Classification: Uncertain significance for Charcot-Marie-Tooth disease axonal type 2U; Severe early-onset pulmonary alveolar proteinosis due to MARS deficiency. Last evaluated: 2021-08-07. Review status: criteria provided, single submitter. Criteria: Invitae Variant Classification Sherloc (09022015). Collection method: clinical testing. Allele origin: germline.
Comment: This sequence change replaces proline with serine at codon 433 of the MARS protein (p.Pro433Ser). The proline residue is highly conserved and there is a moderate physicochemical difference between proline and serine. In summary, the available evidence is currently insufficient to determine the role of this variant in disease. Therefore, it has been classified as a Variant of Uncertain Significance. Algorithms developed to predict the effect of missense changes on protein structure and function are either unavailable or do not agree on the potential impact of this missense change (SIFT: "Deleterious"; PolyPhen-2: "Probably Damaging"; Align-GVGD: "Class C0"). This variant has not been reported in the literature in individuals affected with MARS-related conditions. This variant is not present in population databases (ExAC no frequency).

Ambry Genetics
Classification: Uncertain significance. Last evaluated: 2019-10-17. Review status: criteria provided, single submitter. Criteria: Ambry Variant Classification Scheme 2023. Collection method: clinical testing. Allele origin: germline.
Comment: The p.P433S variant (also known as c.1297C>T), located in coding exon 11 of the MARS gene, results from a C to T substitution at nucleotide position 1297. The proline at codon 433 is replaced by serine, an amino acid with similar properties. This amino acid position is highly conserved in available vertebrate species. In addition, the in silico prediction for this alteration is inconclusive. Since supporting evidence is limited at this time, the clinical significance of this alteration remains unclear.

NM_004990.4(MARS1):c.1297C>T (p.Pro433Ser)

Gene: MARS1 (methionyl-tRNA synthetase 1; plus strand). Cytogenetic location: 12q13.3.
Variant type: single nucleotide variant.
Coding change: c.1297C>T on transcript NM_004990.4 (MANE Select); coding-DNA position 1297, C replaced by T.
Protein change: p.Pro433Ser; replaces proline 433 with serine.
Molecular consequence: missense variant.
Genome position (GRCh38, 1-based): chr12:57,504,228, C>T. VCF-style: chr12-57504228-C-T. GRCh37 (hg19) VCF-style: chr12-57898011-C-T.
Other names: short protein forms P433S.
Identifiers: ClinVar variation 1681728 (VCV001681728.8), dbSNP rs1450179852, ClinGen allele CA385458789.